The following is an entry in ClinVar:

ClinVar aggregate classification (germline): Uncertain significance (1 of 4 stars; one submission).

Submission:

Labcorp Genetics (formerly Invitae), Labcorp
Classification: Uncertain significance. Last evaluated: 2023-07-31. Review status: criteria provided, single submitter. Criteria: Invitae Variant Classification Sherloc (09022015). Collection method: clinical testing. Allele origin: germline.
Comment: This sequence change replaces histidine, which is basic and polar, with tyrosine, which is neutral and polar, at codon 2819 of the DCHS1 protein (p.His2819Tyr). This variant is not present in population databases (gnomAD no frequency). This variant has not been reported in the literature in individuals affected with DCHS1-related conditions. Advanced modeling of protein sequence and biophysical properties (such as structural, functional, and spatial information, amino acid conservation, physicochemical variation, residue mobility, and thermodynamic stability) performed at Invitae indicates that this missense variant is not expected to disrupt DCHS1 protein function. In summary, the available evidence is currently insufficient to determine the role of this variant in disease. Therefore, it has been classified as a Variant of Uncertain Significance.

NM_003737.4(DCHS1):c.8455C>T (p.His2819Tyr)

Gene: DCHS1 (dachsous cadherin-related 1; minus strand). Cytogenetic location: 11p15.4.
Variant type: single nucleotide variant.
Coding change: c.8455C>T on transcript NM_003737.4 (MANE Select); coding-DNA position 8455, C replaced by T.
Protein change: p.His2819Tyr; replaces histidine 2819 with tyrosine.
Molecular consequence: missense variant.
Genome position (GRCh38, 1-based): chr11:6,623,221, G>A on the plus strand (C>T on the coding strand, the complement: DCHS1 is on the minus strand). VCF-style: chr11-6623221-G-A. GRCh37 (hg19) VCF-style: chr11-6644452-G-A.
Other names: short protein forms H2819Y.
Identifiers: ClinVar variation 2798736 (VCV002798736.3), dbSNP rs1407610061, ClinGen allele CA379480990.